The following is an entry in ClinVar:

ClinVar aggregate classification (germline): Uncertain significance. Review status: criteria provided, multiple submitters, no conflicts (2 of 4 stars). 2 submissions from 2 submitters: Uncertain significance (2). Last evaluated 2025-09-10.

Conditions:
Cardiovascular phenotype. Identifiers: MedGen CN230736.
Long QT syndrome (LQTS). Identifiers: MedGen C0023976, MeSH D008133, MONDO:0002442. Disease mechanism: loss of function. Inheritance: Various modes of inheritance.

gnomAD v4.1: 5 of 1,610,850 alleles (0.00031%); highest among the groups gnomAD compares: Admixed American, 0.0033%; no homozygotes.

Submissions (2):

Ambry Genetics
Classification: Uncertain significance for Cardiovascular phenotype. Last evaluated: 2025-09-10. Review status: criteria provided, single submitter. Criteria: Ambry Variant Classification Scheme 2023. Collection method: clinical testing. Allele origin: germline.

Labcorp Genetics (formerly Invitae), Labcorp
Classification: Uncertain significance for Long QT syndrome. Last evaluated: 2025-04-11. Review status: criteria provided, single submitter. Criteria: Invitae Variant Classification Sherloc (09022015). Collection method: clinical testing. Allele origin: germline.
Comment: This sequence change replaces glutamic acid, which is acidic and polar, with aspartic acid, which is acidic and polar, at codon 1338 of the AKAP9 protein (p.Glu1338Asp). This variant is present in population databases (rs761236914, gnomAD 0.006%). This variant has not been reported in the literature in individuals affected with AKAP9-related conditions. ClinVar contains an entry for this variant (Variation ID: 2900911). An algorithm developed to predict the effect of missense changes on protein structure and function (PolyPhen-2) suggests that this variant is likely to be tolerated. In summary, the available evidence is currently insufficient to determine the role of this variant in disease. Therefore, it has been classified as a Variant of Uncertain Significance.

NM_005751.5(AKAP9):c.4014A>C (p.Glu1338Asp)

Gene: AKAP9 (A-kinase anchoring protein 9; plus strand). Cytogenetic location: 7q21.2.
Variant type: single nucleotide variant.
Coding change: c.4014A>C on transcript NM_005751.5 (MANE Select); coding-DNA position 4014, A replaced by C.
Protein change: p.Glu1338Asp; replaces glutamic acid 1338 with aspartic acid.
Molecular consequence: missense variant.
Genome position (GRCh38, 1-based): chr7:92,022,875, A>C. VCF-style: chr7-92022875-A-C. GRCh37 (hg19) VCF-style: chr7-91652189-A-C.
Other names: c.4014A>C, p.Glu1338Asp (NM_147185.3); short protein forms E1338D.
Identifiers: ClinVar variation 2900911 (VCV002900911.4), dbSNP rs761236914, ClinGen allele CA4336461.